The following is an entry in ClinVar:

NM_018896.5(CACNA1G):c.1580A>G (p.Asn527Ser)

Gene: CACNA1G (calcium voltage-gated channel subunit alpha1 G; plus strand). Cytogenetic location: 17q21.33.
Variant type: single nucleotide variant.
Coding change: c.1580A>G on transcript NM_018896.5 (MANE Select); coding-DNA position 1580, A replaced by G.
Protein change: p.Asn527Ser; replaces asparagine 527 with serine.
Molecular consequence: missense variant. On other transcripts: non-coding transcript variant (5).
Genome position (GRCh38, 1-based): chr17:50,575,982, A>G. VCF-style: chr17-50575982-A-G. GRCh37 (hg19) VCF-style: chr17-48653343-A-G.
Other names: c.1580A>G, p.Asn527Ser (NM_001256324.2, NM_001256325.2, NM_001256326.2 and 24 more transcripts); short protein forms N527S.
Identifiers: ClinVar variation 3026321 (VCV003026321.22), dbSNP rs191277623, ClinGen allele CA8652195.
Genomic context (GRCh38, chr17:50,575,982, plus strand): 5'-TGGGCAATGGGACGCTCAGGGCCCCCCGGGCCAGCCCGGAGATCCAGGACAGGGATGCCA[A>G]TGGGTCCCGCCGGCTCATGCTGCCACCACCCTCGACGCCTGCCCTCTCCGGGGCCCCCCC-3'
Protein context (NP_061496.2, residues 517-537): ASPEIQDRDA[Asn527Ser]GSRRLMLPPP

ClinVar aggregate classification (germline): Uncertain significance (1 of 4 stars; one submission).

Allele frequency attached by ClinVar (database versions not stated): gnomAD exomes below 0.00001; gnomAD 0.00001; ExAC 0.00005; 1000 Genomes Project 30x 0.00016; 1000 Genomes Project 0.00020.
gnomAD v4.1: 3 of 1,553,154 alleles (0.00019%); highest among the groups gnomAD compares: African/African-American, 0.0014%; no homozygotes.

Submission:

CeGaT Center for Human Genetics Tuebingen
Classification: Uncertain significance. Last evaluated: 2024-02-01. Review status: criteria provided, single submitter. Criteria: CeGaT Center For Human Genetics Tuebingen Variant Classification Criteria Version 2. Collection method: clinical testing. Allele origin: germline. Affected: yes. Observed: 1 variant allele.
Comment: CACNA1G: PM2:Supporting